The following is an entry in ClinVar:

ClinVar aggregate classification (germline): Likely benign. Review status: criteria provided, single submitter (1 of 4 stars). 2 submissions from 2 submitters: Likely benign (1). 1 of the submissions does not count toward it. Last evaluated 2025-12-30.

Conditions:
Mucopolysaccharidosis, MPS-III-D (MPS3D). Also called: MPS III D; Mucopoly-saccharidosis type 3D; N-acetylglucosamine-6-sulfate sulfatase deficiency; MPS 3D; N-ACETYLGLUCOSAMINE-6-SULFATASE DEFICIENCY; SANFILIPPO SYNDROME D. Identifiers: Orphanet 581, Orphanet 79272, MedGen C0086650, MONDO:0009658, OMIM 252940.
GNS-related disorder. Also called: GNS-related condition.

Allele frequency attached by ClinVar (database versions not stated): gnomAD exomes 0.00006 and 0.00010; gnomAD 0.00001; ExAC 0.00011.
gnomAD v4.1: 63 of 1,306,108 alleles (0.0048%); highest among the groups gnomAD compares: South Asian, 0.073%; no homozygotes.

Submissions (2):

Labcorp Genetics (formerly Invitae), Labcorp
Classification: Likely benign for Mucopolysaccharidosis, MPS-III-D. Last evaluated: 2025-12-30. Review status: criteria provided, single submitter. Criteria: Invitae Variant Classification Sherloc (09022015). Collection method: clinical testing. Allele origin: germline.

PreventionGenetics, part of Exact Sciences
Classification: Likely benign for GNS-related condition. Last evaluated: 2019-08-09. Review status: no assertion criteria provided. Collection method: clinical testing. Allele origin: germline. Not counted in ClinVar's aggregate classification.
Comment: This variant is classified as likely benign based on ACMG/AMP sequence variant interpretation guidelines (Richards et al. 2015 PMID: 25741868, with internal and published modifications).

NM_002076.4(GNS):c.1419+8G>A

Gene: GNS (glucosamine (N-acetyl)-6-sulfatase; minus strand). Cytogenetic location: 12q14.3.
Variant type: single nucleotide variant.
Coding change: c.1419+8G>A on transcript NM_002076.4 (MANE Select); 8 bases into the intron after coding-DNA position 1419, G replaced by A.
Molecular consequence: intron variant.
Genome position (GRCh38, 1-based): chr12:64,721,587, C>T on the plus strand (G>A on the coding strand, the complement: GNS is on the minus strand). VCF-style: chr12-64721587-C-T. GRCh37 (hg19) VCF-style: chr12-65115367-C-T.
Other names: c.1419+8G>A (NM_002076.3).
Identifiers: ClinVar variation 1161153 (VCV001161153.11), dbSNP rs760970543, ClinGen allele CA6669669.